The following is an entry in ClinVar:

NM_025179.4(PLXNA2):c.4728T>G (p.Gly1576=)

Gene: PLXNA2 (plexin A2; minus strand). Cytogenetic location: 1q32.2.
Variant type: single nucleotide variant.
Coding change: c.4728T>G on transcript NM_025179.4 (MANE Select); coding-DNA position 4728, T replaced by G.
Protein change: p.Gly1576=; no amino-acid change (glycine 1576 retained).
Molecular consequence: synonymous variant.
Genome position (GRCh38, 1-based): chr1:208,038,407, A>C on the plus strand (T>G on the coding strand, the complement: PLXNA2 is on the minus strand). VCF-style: chr1-208038407-A-C. GRCh37 (hg19) VCF-style: chr1-208211752-A-C.
Identifiers: ClinVar variation 4999269 (VCV004999269.1).
Genomic context (GRCh38, chr1:208,038,407, plus strand): 5'-AGGGGAAAAGACACCCCCTCTCACCTGATAATGCATCAGTGTGTTGAGCCGCTTCCAGTC[A>C]CCCTCAATCTTGGTGGTGATGTCCTCATCTTGCAGCACGACCCGGGCGATCCGGCCTTGG-3'
Protein context (NP_079455.3, residues 1566-1586): QDEDITTKIE[Gly1576=]DWKRLNTLMH

ClinVar aggregate classification (germline): Likely benign (1 of 4 stars; one submission).

Conditions:
PLXNA2-related disorder. Also called: PLXNA2-related condition.

Submission:

PreventionGenetics, part of Exact Sciences
Classification: Likely benign for PLXNA2-related condition. Last evaluated: 2025-05-07. Review status: criteria provided, single submitter. Criteria: ACMG Guidelines, 2015. Collection method: clinical testing. Allele origin: germline.
Comment: This variant is classified as likely benign based on ACMG/AMP sequence variant interpretation guidelines (Richards et al. 2015 PMID: 25741868, with internal and published modifications).